The following is an entry in ClinVar:

ClinVar aggregate classification (germline): Uncertain significance. Review status: criteria provided, multiple submitters, no conflicts (2 of 4 stars). 2 submissions from 2 submitters: Uncertain significance (2). Last evaluated 2024-08-28.

Conditions:
Ehlers-Danlos syndrome, kyphoscoliotic type 1 (EDSKSCL1). Also called: Ehlers-Danlos syndrome, hydroxylysine-deficient; EHLERS-DANLOS SYNDROME, OCULAR-SCOLIOTIC TYPE; EHLERS-DANLOS SYNDROME, TYPE VIA; PLOD1-Related Kyphoscoliotic Ehlers-Danlos Syndrome. Identifiers: Orphanet 1900, MedGen C0268342, MONDO:0016002, OMIM 225400. Disease mechanism: loss of function.
Familial thoracic aortic aneurysm and aortic dissection (TAAD). Also called: Thoracic aortic aneurysms and dissections. Identifiers: Orphanet 91387, MedGen C4707243, MONDO:0019625.

Allele frequency attached by ClinVar (database versions not stated): TOPMed below 0.00001; gnomAD 0.00001 and 0.00004; gnomAD exomes 0.00006 and 0.00009; ExAC 0.00008.
gnomAD v4.1: 91 of 1,613,662 alleles (0.0056%); highest among the groups gnomAD compares: South Asian, 0.094%; 1 homozygote.

Submissions (2):

Ambry Genetics
Classification: Uncertain significance for Familial thoracic aortic aneurysm and aortic dissection. Last evaluated: 2024-08-28. Review status: criteria provided, single submitter. Criteria: Ambry Variant Classification Scheme 2023. Collection method: clinical testing. Allele origin: germline.
Comment: The p.P286S variant (also known as c.856C>T), located in coding exon 9 of the PLOD1 gene, results from a C to T substitution at nucleotide position 856. The proline at codon 286 is replaced by serine, an amino acid with similar properties. This amino acid position is conserved. In addition, this alteration is predicted to be deleterious by in silico analysis. Since supporting evidence is limited at this time, the clinical significance of this alteration remains unclear.

Labcorp Genetics (formerly Invitae), Labcorp
Classification: Uncertain significance for Ehlers-Danlos syndrome, kyphoscoliotic type 1. Last evaluated: 2022-01-02. Review status: criteria provided, single submitter. Criteria: Invitae Variant Classification Sherloc (09022015). Collection method: clinical testing. Allele origin: germline.
Comment: This sequence change replaces proline, which is neutral and non-polar, with serine, which is neutral and polar, at codon 286 of the PLOD1 protein (p.Pro286Ser). This variant is present in population databases (rs748920493, gnomAD 0.07%). This variant has not been reported in the literature in individuals affected with PLOD1-related conditions. ClinVar contains an entry for this variant (Variation ID: 972125). Algorithms developed to predict the effect of missense changes on protein structure and function (SIFT, PolyPhen-2, Align-GVGD) all suggest that this variant is likely to be disruptive. In summary, the available evidence is currently insufficient to determine the role of this variant in disease. Therefore, it has been classified as a Variant of Uncertain Significance.

NM_000302.4(PLOD1):c.856C>T (p.Pro286Ser)

Gene: PLOD1 (procollagen-lysine,2-oxoglutarate 5-dioxygenase 1; plus strand). Cytogenetic location: 1p36.22.
Variant type: single nucleotide variant.
Coding change: c.856C>T on transcript NM_000302.4 (MANE Select); coding-DNA position 856, C replaced by T.
Protein change: p.Pro286Ser; replaces proline 286 with serine.
Molecular consequence: missense variant.
Genome position (GRCh38, 1-based): chr1:11,958,528, C>T. VCF-style: chr1-11958528-C-T. GRCh37 (hg19) VCF-style: chr1-12018585-C-T.
Other names: c.997C>T, p.Pro333Ser (NM_001316320.2); short protein forms P286S, P333S.
Identifiers: ClinVar variation 972125 (VCV000972125.11), dbSNP rs748920493, ClinGen allele CA598179.